The following is an entry in ClinVar:

NM_002458.3(MUC5B):c.3974C>T (p.Pro1325Leu)

Gene: MUC5B (mucin 5B, oligomeric mucus/gel-forming; plus strand). Cytogenetic location: 11p15.5.
Variant type: single nucleotide variant.
Coding change: c.3974C>T on transcript NM_002458.3 (MANE Select); coding-DNA position 3974, C replaced by T.
Protein change: p.Pro1325Leu; replaces proline 1325 with leucine.
Molecular consequence: missense variant.
Genome position (GRCh38, 1-based): chr11:1,240,854, C>T. VCF-style: chr11-1240854-C-T. GRCh37 (hg19) VCF-style: chr11-1262084-C-T.
Other names: c.3974C>T (NM_002458.2); short protein forms P1325L.
Identifiers: ClinVar variation 2641194 (VCV002641194.25), dbSNP rs56027625, ClinGen allele CA5805311.

ClinVar aggregate classification (germline): Conflicting classifications of pathogenicity. Review status: criteria provided, conflicting classifications (1 of 4 stars). 2 submissions from 2 submitters: Uncertain significance (1); Likely benign (1). Last evaluated 2025-08-13.

Allele frequency attached by ClinVar (database versions not stated): 1000 Genomes Project 0.00080; 1000 Genomes Project 30x 0.00109; ESP Exome Variant Server 0.00132; TOPMed 0.00151; gnomAD 0.00159; ExAC 0.00213.

Submissions (2):

Ambry Genetics
Classification: Uncertain significance. Last evaluated: 2025-08-13. Review status: criteria provided, single submitter. Criteria: Ambry Variant Classification Scheme 2023. Collection method: clinical testing. Allele origin: germline.

CeGaT Center for Human Genetics Tuebingen
Classification: Likely benign. Last evaluated: 2024-09-01. Review status: criteria provided, single submitter. Criteria: CeGaT Center For Human Genetics Tuebingen Variant Classification Criteria Version 2. Collection method: clinical testing. Allele origin: germline. Affected: yes. Observed: 4 variant alleles.
Comment: MUC5B: BP4, BS1